The following is an entry in ClinVar:

ClinVar aggregate classification (germline): Uncertain significance. Review status: criteria provided, multiple submitters, no conflicts (2 of 4 stars). 2 submissions from 2 submitters: Uncertain significance (2). Last evaluated 2019-09-10.

Allele frequency attached by ClinVar (database versions not stated): gnomAD exomes below 0.00001; TOPMed 0.00001.
gnomAD v4.1: 3 of 1,176,030 alleles (0.00026%); highest among the groups gnomAD compares: Non-Finnish European, 0.00035%; no homozygotes.

Submissions (2):

GeneDx
Classification: Uncertain significance. Last evaluated: 2019-09-10. Review status: criteria provided, single submitter. Criteria: GeneDx Variant Classification Process June 2021. Collection method: clinical testing. Allele origin: germline. Affected: yes.
Comment: Not observed in large population cohorts (Lek et al., 2016); In silico analysis, which includes protein predictors and evolutionary conservation, supports a deleterious effect; Has not been previously published as pathogenic or benign to our knowledge

Genetic Services Laboratory, University of Chicago
Classification: Uncertain significance. Last evaluated: 2016-04-25. Review status: criteria provided, single submitter. Criteria: ACMG Guidelines, 2015. Collection method: clinical testing. Allele origin: germline. Affected: no.

NM_001379110.1(SLC9A6):c.1070G>C (p.Arg357Thr)

Gene: SLC9A6 (solute carrier family 9 member A6; plus strand). Cytogenetic location: Xq26.3.
Variant type: single nucleotide variant.
Coding change: c.1070G>C on transcript NM_001379110.1 (MANE Select); coding-DNA position 1070, G replaced by C.
Protein change: p.Arg357Thr; replaces arginine 357 with threonine.
Molecular consequence: missense variant.
Genome position (GRCh38, 1-based): chrX:136,013,427, G>C. VCF-style: chrX-136013427-G-C. GRCh37 (hg19) VCF-style: chrX-135095586-G-C.
Other names: p.R377T:AGA>ACA; c.1226G>C, p.Arg409Thr (NM_001042537.2); c.1070G>C, p.Arg357Thr (NM_001177651.2); c.974G>C, p.Arg325Thr (NM_001330652.2); c.1130G>C, p.Arg377Thr (NM_006359.3); short protein forms R377T, R409T, R357T, R325T.
Identifiers: ClinVar variation 207244 (VCV000207244.8), dbSNP rs796053286, ClinGen allele CA318527.
Genomic context (GRCh38, chrX:136,013,427, plus strand): 5'-TTTGTGGCATCACACAAGCACATTATACGTATAATAATTTGTCCACGGAGTCTCAGCATA[G>C]AACTAAACAGGTAAGAGGAACTTTATAGTTTGTGAATAGGCTTTTCCTTCTTTCAGCAAA-3'
Protein context (NP_001366039.1, residues 347-367): YNNLSTESQH[Arg357Thr]TKQLFELLNF